The following is an entry in ClinVar:

ClinVar aggregate classification (germline): Uncertain significance (1 of 4 stars; one submission).

Conditions:
Neurodevelopmental disorder with hypotonia and variable intellectual and behavioral abnormalities. Identifiers: MedGen C5231423, MONDO:0032829, OMIM 618603.

Submission:

Laboratorio de Genetica e Diagnostico Molecular, Hospital Israelita Albert Einstein
Classification: Uncertain significance for Neurodevelopmental disorder with hypotonia and variable intellectual and behavioral abnormalities. Last evaluated: 2024-10-11. Review status: criteria provided, single submitter. Criteria: ACMG Guidelines, 2015. Collection method: clinical testing. Allele origin: germline. Affected: yes.
Comment: ACMG classification criteria: PM2 supporting, PP2 supporting

NM_000937.5(POLR2A):c.5573C>T (p.Pro1858Leu)

Gene: POLR2A (RNA polymerase II subunit A; plus strand). Cytogenetic location: 17p13.1.
Variant type: single nucleotide variant.
Coding change: c.5573C>T on transcript NM_000937.5 (MANE Select); coding-DNA position 5573, C replaced by T.
Protein change: p.Pro1858Leu; replaces proline 1858 with leucine.
Molecular consequence: missense variant.
Genome position (GRCh38, 1-based): chr17:7,513,839, C>T. VCF-style: chr17-7513839-C-T. GRCh37 (hg19) VCF-style: chr17-7417156-C-T.
Other names: short protein forms P1858L.
Identifiers: ClinVar variation 4056757 (VCV004056757.1).